The following is an entry in ClinVar:

NM_001916.5(CYC1):c.860G>A (p.Arg287His)

Gene: CYC1 (cytochrome c1; plus strand). Cytogenetic location: 8q24.3.
Variant type: single nucleotide variant.
Coding change: c.860G>A on transcript NM_001916.5 (MANE Select); coding-DNA position 860, G replaced by A.
Protein change: p.Arg287His; replaces arginine 287 with histidine.
Molecular consequence: missense variant.
Genome position (GRCh38, 1-based): chr8:144,097,121, G>A. VCF-style: chr8-144097121-G-A. GRCh37 (hg19) VCF-style: chr8-145152024-G-A.
Other names: c.860G>A (NM_001916.3); short protein forms R287H.
Identifiers: ClinVar variation 2988332 (VCV002988332.4), dbSNP rs749790299, ClinGen allele CA4933557.

ClinVar aggregate classification (germline): Uncertain significance. Review status: criteria provided, multiple submitters, no conflicts (2 of 4 stars). 2 submissions from 2 submitters: Uncertain significance (2). Last evaluated 2024-06-11.

Allele frequency attached by ClinVar (database versions not stated): TOPMed below 0.00001; ExAC 0.00001; gnomAD 0.00001.

Submissions (2):

Ambry Genetics
Classification: Uncertain significance. Last evaluated: 2024-06-11. Review status: criteria provided, single submitter. Criteria: Ambry Variant Classification Scheme 2023. Collection method: clinical testing. Allele origin: germline.

Labcorp Genetics (formerly Invitae), Labcorp
Classification: Uncertain significance. Last evaluated: 2023-02-19. Review status: criteria provided, single submitter. Criteria: Invitae Variant Classification Sherloc (09022015). Collection method: clinical testing. Allele origin: germline.
Comment: In summary, the available evidence is currently insufficient to determine the role of this variant in disease. Therefore, it has been classified as a Variant of Uncertain Significance. Advanced modeling of protein sequence and biophysical properties (such as structural, functional, and spatial information, amino acid conservation, physicochemical variation, residue mobility, and thermodynamic stability) performed at Invitae indicates that this missense variant is not expected to disrupt CYC1 protein function. This variant has not been reported in the literature in individuals affected with CYC1-related conditions. The frequency data for this variant in the population databases is considered unreliable, as metrics indicate poor data quality at this position in the gnomAD database. This sequence change replaces arginine, which is basic and polar, with histidine, which is basic and polar, at codon 287 of the CYC1 protein (p.Arg287His).